The following is an entry in ClinVar:

ClinVar aggregate classification (germline): Likely benign. Review status: criteria provided, multiple submitters, no conflicts (2 of 4 stars). 3 submissions from 3 submitters: Likely benign (3). Last evaluated 2025-12-11.

Conditions:
CYP4V2-related disorder. Also called: CYP4V2-related condition; CYP4V2-related disorders.

Allele frequency attached by ClinVar (database versions not stated): gnomAD exomes below 0.00001 and 0.00001; TOPMed below 0.00001; gnomAD 0.00001; ExAC 0.00002; 1000 Genomes Project 0.00020; 1000 Genomes Project 30x 0.00031.
gnomAD v4.1: 17 of 1,614,186 alleles (0.0011%); highest among the groups gnomAD compares: East Asian, 0.0045%; no homozygotes.

Submissions (3):

Labcorp Genetics (formerly Invitae), Labcorp
Classification: Likely benign. Last evaluated: 2025-12-11. Review status: criteria provided, single submitter. Criteria: Invitae Variant Classification Sherloc (09022015). Collection method: clinical testing. Allele origin: germline.

PreventionGenetics, part of Exact Sciences
Classification: Likely benign for CYP4V2-related condition. Last evaluated: 2025-03-25. Review status: criteria provided, single submitter. Criteria: ACMG Guidelines, 2015. Collection method: clinical testing. Allele origin: germline.
Comment: This variant is classified as likely benign based on ACMG/AMP sequence variant interpretation guidelines (Richards et al. 2015 PMID: 25741868, with internal and published modifications).

Blueprint Genetics
Classification: Likely benign. Last evaluated: 2023-10-19. Review status: criteria provided, single submitter. Criteria: ACMG Guidelines, 2015. Collection method: clinical testing. Allele origin: germline.

NM_207352.4(CYP4V2):c.1527A>G (p.Pro509=)

Gene: CYP4V2 (cytochrome P450 family 4 subfamily V member 2; plus strand). Cytogenetic location: 4q35.2.
Variant type: single nucleotide variant.
Coding change: c.1527A>G on transcript NM_207352.4 (MANE Select); coding-DNA position 1527, A replaced by G.
Protein change: p.Pro509=; no amino-acid change (proline 509 retained).
Molecular consequence: synonymous variant.
Genome position (GRCh38, 1-based): chr4:186,210,590, A>G. VCF-style: chr4-186210590-A-G. GRCh37 (hg19) VCF-style: chr4-187131744-A-G.
Other names: c.1527A>G (NM_207352.3).
Identifiers: ClinVar variation 1558715 (VCV001558715.10), dbSNP rs527378526, ClinGen allele CA3162888.